The following is an entry in ClinVar:

ClinVar aggregate classification (germline): Pathogenic (1 of 4 stars; one submission).

Conditions:
Joubert syndrome and related disorders. Identifiers: Orphanet 140874, MedGen C5679612, MONDO:0015369.

Submission:

Myriad Genetics, Inc.
Classification: Pathogenic for Joubert syndrome and related disorders. Last evaluated: 2025-07-03. Review status: criteria provided, single submitter. Criteria: Myriad Autosomal Dominant, Autosomal Recessive and X-Linked Classification Criteria (2023). Collection method: clinical testing. Allele origin: unknown.
Comment: NM_001080522.2(CC2D2A):c.3658_3659delAT(M1220Dfs*3) is expected to be pathogenic in the context of CC2D2A-related disorders. This variant is predicted to lead to an abnormal or absent protein product due to the creation of a premature termination codon in CC2D2A, a gene where loss-of-function variants are known to be pathogenic. Please note: this variant was assessed in the context of healthy population screening.

NM_001378615.1(CC2D2A):c.3658_3659del (p.Met1220fs)

Genes: CC2D2A (coiled-coil and C2 domain containing 2A; plus strand), FBXL5 (F-box and leucine rich repeat protein 5; minus strand). Cytogenetic location: 4p15.32.
Variant type: Microsatellite.
Coding change: c.3658_3659del on transcript NM_001378615.1 (MANE Select); coding-DNA positions 3658 to 3659, 2 bases deleted (AT; older notation c.3658_3659delAT).
Protein change: p.Met1220fs; shifts the reading frame from methionine 1220.
Molecular consequence: frameshift variant.
Genome position (GRCh38, 1-based): chr4:15,574,213-15,574,214, AT deleted; deleting any 2 consecutive bases within chr4:15,574,211-15,574,214 gives the same sequence; the c. name uses the placement nearest the transcript's 3' end. VCF-style (leftmost placement, unchanged base first): chr4-15574210-AAT-A. GRCh37 (hg19) VCF-style: chr4-15575833-AAT-A.
Other names: c.3658_3659del, p.Met1220fs (NM_001080522.2); c.3511_3512del, p.Met1171fs (NM_001378617.1); short protein forms M1171fs, M1220fs.
Identifiers: ClinVar variation 5014682 (VCV005014682.1).